The following is an entry in ClinVar:

ClinVar aggregate classification (germline): Uncertain significance (1 of 4 stars; one submission).

Submission:

Labcorp Genetics (formerly Invitae), Labcorp
Classification: Uncertain significance. Last evaluated: 2022-06-09. Review status: criteria provided, single submitter. Criteria: Invitae Variant Classification Sherloc (09022015). Collection method: clinical testing. Allele origin: germline.
Comment: In summary, the available evidence is currently insufficient to determine the role of this variant in disease. Therefore, it has been classified as a Variant of Uncertain Significance. Algorithms developed to predict the effect of missense changes on protein structure and function (SIFT, PolyPhen-2, Align-GVGD) all suggest that this variant is likely to be tolerated. This variant has not been reported in the literature in individuals affected with GANAB-related conditions. This variant is not present in population databases (gnomAD no frequency). This sequence change replaces valine, which is neutral and non-polar, with isoleucine, which is neutral and non-polar, at codon 895 of the GANAB protein (p.Val895Ile).

NM_198334.3(GANAB):c.2617G>A (p.Val873Ile)

Gene: GANAB (glucosidase II alpha subunit; minus strand). Cytogenetic location: 11q12.3.
Variant type: single nucleotide variant.
Coding change: c.2617G>A on transcript NM_198334.3 (MANE Select); coding-DNA position 2617, G replaced by A.
Protein change: p.Val873Ile; replaces valine 873 with isoleucine.
Molecular consequence: missense variant.
Genome position (GRCh38, 1-based): chr11:62,626,342, C>T on the plus strand (G>A on the coding strand, the complement: GANAB is on the minus strand). VCF-style: chr11-62626342-C-T. GRCh37 (hg19) VCF-style: chr11-62393814-C-T.
Other names: c.2341G>A, p.Val781Ile (NM_001278192.2); c.2275G>A, p.Val759Ile (NM_001278193.2); c.2326G>A, p.Val776Ile (NM_001278194.2, NM_001329222.2, NM_001329223.2); c.1894G>A, p.Val632Ile (NM_001329224.2, NM_001329225.2); c.2683G>A, p.Val895Ile (NM_198335.4); short protein forms V776I, V873I, V632I, V759I, V895I, V781I.
Identifiers: ClinVar variation 1896439 (VCV001896439.5), dbSNP rs1317789498, ClinGen allele CA380985744.